The following is an entry in ClinVar:

ClinVar aggregate classification (germline): Pathogenic (1 of 4 stars; one submission).

Conditions:
Microcephaly, normal intelligence and immunodeficiency (NBS). Also called: Ataxia telangiectasia variant V1; Nijmegen breakage syndrome; Immunodeficiency, microcephaly with normal intelligence; IMMUNODEFICIENCY, MICROCEPHALY, AND CHROMOSOMAL INSTABILITY; SEEMANOVA SYNDROME II; BERLIN BREAKAGE SYNDROME. Identifiers: Orphanet 647, MedGen C0398791, MONDO:0009623, OMIM 251260.

Submission:

Labcorp Genetics (formerly Invitae), Labcorp
Classification: Pathogenic for Microcephaly, normal intelligence and immunodeficiency. Last evaluated: 2021-09-29. Review status: criteria provided, single submitter. Criteria: Invitae Variant Classification Sherloc (09022015). Collection method: clinical testing. Allele origin: germline.
Comment: A gross deletion of the genomic region encompassing the full coding sequence of the NBN gene has been identified. Loss-of-function variants in NBN are known to be pathogenic (PMID: 9590180, 16415040). The boundaries of this event are unknown as they extend beyond the assayed region for this gene and therefore may encompass additional genes. This variant has not been reported in the literature in individuals with NBN-related conditions. For these reasons, this variant has been classified as Pathogenic.

Literature cited by the submitters: PubMed 9590180; PubMed 16415040.

NC_000008.11:g.(?_89935582)_(89984561_?)del

Gene: NBN (nibrin; minus strand). Cytogenetic location: 8q21.3.
Variant type: Deletion.
Identifiers: ClinVar variation 833016 (VCV000833016.2).